The following is an entry in ClinVar:

ClinVar aggregate classification (germline): Uncertain significance (1 of 4 stars; one submission).

Submission:

Dasa
Classification: Uncertain significance. Last evaluated: 2025-10-28. Review status: criteria provided, single submitter. Criteria: DASA Assertion Criteria. Collection method: clinical testing. Allele origin: germline.
Comment: NM_003482.4(KMT2D):c.5319+7C>G is a splice-region variant. This variant is absent from population databases. Computational prediction algorithms are consistent with a benign effect. The currently available literature and clinical evidence are not sufficient to establish a definitive association between this variant and the reported condition. Therefore, this variant is classified as a variant of uncertain significance.

NM_003482.4(KMT2D):c.5319+7C>G

Gene: KMT2D (lysine methyltransferase 2D; minus strand). Cytogenetic location: 12q13.12.
Variant type: single nucleotide variant.
Coding change: c.5319+7C>G on transcript NM_003482.4 (MANE Select); 7 bases into the intron after coding-DNA position 5319, C replaced by G.
Molecular consequence: intron variant.
Genome position (GRCh38, 1-based): chr12:49,043,861, G>C on the plus strand (C>G on the coding strand, the complement: KMT2D is on the minus strand). VCF-style: chr12-49043861-G-C. GRCh37 (hg19) VCF-style: chr12-49437644-G-C.
Identifiers: ClinVar variation 4885709 (VCV004885709.2).
Genomic context (GRCh38, chr12:49,043,861, plus strand): 5'-GAAACAGTTTTCTTCATGCCCTGCAGGGCACAGACACCTCCCTCACTGCTTGGAGCCTGA[G>C]ACCCACCTGCAAGTAAGCAGGGAACATGTCCTCCAGTTTGCTCTTCTTGCGCCCTCGCCG-3'